The following is an entry in ClinVar:

ClinVar aggregate classification (germline): Uncertain significance (1 of 4 stars; one submission).

Conditions:
Combined oxidative phosphorylation defect type 7. Identifiers: Orphanet 254930, MedGen C3150801, MONDO:0013306, OMIM 613559.
Spastic paraplegia. Identifiers: MedGen C0037772, HP:0001258.

Allele frequency attached by ClinVar (database versions not stated): gnomAD exomes below 0.00001.

Submission:

Labcorp Genetics (formerly Invitae), Labcorp
Classification: Uncertain significance for Combined oxidative phosphorylation defect type 7; Spastic paraplegia. Last evaluated: 2022-04-03. Review status: criteria provided, single submitter. Criteria: Invitae Variant Classification Sherloc (09022015). Collection method: clinical testing. Allele origin: germline.
Comment: This sequence change replaces lysine, which is basic and polar, with arginine, which is basic and polar, at codon 137 of the C12orf65 protein (p.Lys137Arg). This variant is not present in population databases (gnomAD no frequency). This variant has not been reported in the literature in individuals affected with C12orf65-related conditions. Algorithms developed to predict the effect of missense changes on protein structure and function output the following: SIFT: "Tolerated"; PolyPhen-2: "Not Available"; Align-GVGD: "Class C0". The arginine amino acid residue is found in multiple mammalian species, which suggests that this missense change does not adversely affect protein function. In summary, the available evidence is currently insufficient to determine the role of this variant in disease. Therefore, it has been classified as a Variant of Uncertain Significance.

NM_152269.5(MTRFR):c.410A>G (p.Lys137Arg)

Gene: MTRFR (mitochondrial translation release factor in rescue; plus strand). Cytogenetic location: 12q24.31.
Variant type: single nucleotide variant.
Coding change: c.410A>G on transcript NM_152269.5 (MANE Select); coding-DNA position 410, A replaced by G.
Protein change: p.Lys137Arg; replaces lysine 137 with arginine.
Molecular consequence: missense variant.
Genome position (GRCh38, 1-based): chr12:123,256,940, A>G. VCF-style: chr12-123256940-A-G. GRCh37 (hg19) VCF-style: chr12-123741487-A-G.
Other names: c.410A>G, p.Lys137Arg (NM_001143905.2, NM_001194995.1); short protein forms K137R.
Identifiers: ClinVar variation 2121119 (VCV002121119.4), dbSNP rs2048188721, ClinGen allele CA387119188.